The following is an entry in ClinVar:

ClinVar aggregate classification (germline): Likely benign. Review status: reviewed by expert panel (3 of 4 stars). 5 submissions from 5 submitters: Likely benign (1). 4 of the submissions do not count toward it. Last evaluated 2017-06-29.

Conditions:
Hereditary cancer-predisposing syndrome. Also called: Tumor predisposition; Hereditary Cancer Syndrome; Hereditary neoplastic syndrome; Neoplastic Syndromes, Hereditary. Identifiers: Orphanet 140162, MedGen C0027672, MeSH D009386, MONDO:0015356.
Hereditary breast ovarian cancer syndrome. Also called: Breast and ovarian cancer; Hereditary breast and ovarian cancer syndrome; Hereditary breast and ovarian cancer; BRCA1- and BRCA2-Associated Hereditary Breast and Ovarian Cancer; Hereditary breast and ovarian cancer syndrome (HBOC); Hereditary breast and/or ovarian cancer syndrome. Identifiers: Orphanet 145, MedGen C0677776, MeSH D061325, MONDO:0003582. Disease mechanism: loss of function.
Breast-ovarian cancer, familial, susceptibility to, 2 (BROVCA2). Also called: BRCA2 Hereditary Breast and Ovarian Cancer. Identifiers: Orphanet 145, MedGen C2675520, MONDO:0012933, OMIM 612555. Disease mechanism: loss of function.

Allele frequency attached by ClinVar (database versions not stated): gnomAD exomes below 0.00001 and 0.00001.
gnomAD v4.1: 8 of 1,606,938 alleles (0.0005%); highest among the groups gnomAD compares: Non-Finnish European, 0.00068%; no homozygotes.

Submissions (5):

Evidence-based Network for the Interpretation of Germline Mutant Alleles (ENIGMA)
Classification: Likely benign for Breast-ovarian cancer, familial, susceptibility to, 2. Last evaluated: 2017-06-29. Review status: reviewed by expert panel. Criteria: ENIGMA BRCA1/2 Classification Criteria (2017-06-29). Collection method: curation. Allele origin: germline.
Comment: Synonymous substitution variant, with low bioinformatic likelihood to result in a splicing aberration (Splicing prior probability 0.02).

Labcorp Genetics (formerly Invitae), Labcorp
Classification: Likely benign for Hereditary breast ovarian cancer syndrome. Last evaluated: 2024-04-30. Review status: criteria provided, single submitter. Criteria: Invitae Variant Classification Sherloc (09022015). Collection method: clinical testing. Allele origin: germline. Not counted in ClinVar's aggregate classification.

Ambry Genetics
Classification: Likely benign for Hereditary cancer-predisposing syndrome. Last evaluated: 2021-05-07. Review status: criteria provided, single submitter. Criteria: Ambry Variant Classification Scheme 2023. Collection method: clinical testing. Allele origin: germline. Not counted in ClinVar's aggregate classification.

Clinical Genetics DNA and cytogenetics Diagnostics Lab, Erasmus MC, Erasmus Medical Center
Classification: Likely benign. Review status: no assertion criteria provided. Collection method: clinical testing. Allele origin: germline. Affected: yes. Study: VKGL Data-share Consensus. Not counted in ClinVar's aggregate classification.

Joint Genome Diagnostic Labs from Nijmegen and Maastricht, Radboudumc and MUMC+
Classification: Likely benign. Review status: no assertion criteria provided. Collection method: clinical testing. Allele origin: germline. Affected: yes. Study: VKGL Data-share Consensus. Not counted in ClinVar's aggregate classification.

NM_000059.4(BRCA2):c.2496G>A (p.Glu832=)

Gene: BRCA2 (BRCA2 DNA repair associated; plus strand). Cytogenetic location: 13q13.1.
Variant type: single nucleotide variant.
Coding change: c.2496G>A on transcript NM_000059.4 (MANE Select); coding-DNA position 2496, G replaced by A.
Protein change: p.Glu832=; no amino-acid change (glutamic acid 832 retained).
Molecular consequence: synonymous variant.
Genome position (GRCh38, 1-based): chr13:32,336,851, G>A. VCF-style: chr13-32336851-G-A. GRCh37 (hg19) VCF-style: chr13-32910988-G-A.
Identifiers: ClinVar variation 184465 (VCV000184465.20), dbSNP rs786201479, ClinGen allele CA015486.